The following is an entry in ClinVar:

ClinVar aggregate classification (germline): Uncertain significance (1 of 4 stars; one submission).

Conditions:
Hereditary cancer-predisposing syndrome. Also called: Neoplastic Syndromes, Hereditary; Hereditary Cancer Syndrome; Hereditary neoplastic syndrome; Tumor predisposition. Identifiers: Orphanet 140162, MedGen C0027672, MeSH D009386, MONDO:0015356.

Submission:

Ambry Genetics
Classification: Uncertain significance for Hereditary cancer-predisposing syndrome. Last evaluated: 2026-04-02. Review status: criteria provided, single submitter. Criteria: Ambry Variant Classification Scheme 2023. Collection method: clinical testing. Allele origin: germline.
Comment: The p.E327D variant (also known as c.981G>T), located in coding exon 9 of the FANCC gene, results from a G to T substitution at nucleotide position 981. The glutamic acid at codon 327 is replaced by aspartic acid, an amino acid with highly similar properties. This amino acid position is conserved. In addition, this alteration is predicted to be tolerated by in silico analysis. Based on the available evidence, the clinical significance of this variant remains unclear.

NM_000136.3(FANCC):c.981G>T (p.Glu327Asp)

Genes: AOPEP (aminopeptidase O (putative); plus strand), FANCC (FA complementation group C; minus strand). Cytogenetic location: 9q22.32.
Variant type: single nucleotide variant.
Coding change: c.981G>T on transcript NM_000136.3 (MANE Select); coding-DNA position 981, G replaced by T.
Protein change: p.Glu327Asp; replaces glutamic acid 327 with aspartic acid.
Molecular consequence: missense variant.
Genome position (GRCh38, 1-based): chr9:95,125,101, C>A on the plus strand (G>T on the coding strand, the complement: FANCC is on the minus strand). VCF-style: chr9-95125101-C-A. GRCh37 (hg19) VCF-style: chr9-97887383-C-A.
Other names: c.981G>T, p.Glu327Asp (NM_001243743.2, NM_001243744.2); short protein forms E327D.
Identifiers: ClinVar variation 4870942 (VCV004870942.1).
Genomic context (GRCh38, chr9:95,125,101, plus strand): 5'-TCTTATTCTCTGGGATGAATGAGTAATATATGTGATATAACAAACCTGCTTGCTTGCTTT[C>A]TCCAGAGCTTCTACAAAGCACTGCGTAAACACCTGAATAGTGGCTATGATTTCCAGGGCC-3'
Protein context (NP_000127.2, residues 317-337): VFTQCFVEAL[Glu327Asp]KASKQLRFAL